The following is an entry in ClinVar:

ClinVar aggregate classification (germline): Uncertain significance (1 of 4 stars; one submission).

Allele frequency attached by ClinVar (database versions not stated): gnomAD exomes 0.00002; gnomAD 0.00005; ExAC 0.00006; ESP Exome Variant Server 0.00008; TOPMed 0.00010.
gnomAD v4.1: 50 of 1,614,022 alleles (0.0031%); highest among the groups gnomAD compares: Admixed American, 0.022%; no homozygotes.

Submission:

Labcorp Genetics (formerly Invitae), Labcorp
Classification: Uncertain significance. Last evaluated: 2024-10-24. Review status: criteria provided, single submitter. Criteria: Invitae Variant Classification Sherloc (09022015). Collection method: clinical testing. Allele origin: germline.
Comment: This sequence change replaces arginine, which is basic and polar, with glutamine, which is neutral and polar, at codon 228 of the FAT2 protein (p.Arg228Gln). This variant is present in population databases (rs141477736, gnomAD 0.03%). This variant has not been reported in the literature in individuals affected with FAT2-related conditions. ClinVar contains an entry for this variant (Variation ID: 2076038). An algorithm developed to predict the effect of missense changes on protein structure and function (PolyPhen-2) suggests that this variant is likely to be disruptive. In summary, the available evidence is currently insufficient to determine the role of this variant in disease. Therefore, it has been classified as a Variant of Uncertain Significance.

NM_001447.3(FAT2):c.683G>A (p.Arg228Gln)

Gene: FAT2 (FAT atypical cadherin 2; minus strand). Cytogenetic location: 5q33.1.
Variant type: single nucleotide variant.
Coding change: c.683G>A on transcript NM_001447.3 (MANE Select); coding-DNA position 683, G replaced by A.
Protein change: p.Arg228Gln; replaces arginine 228 with glutamine.
Molecular consequence: missense variant.
Genome position (GRCh38, 1-based): chr5:151,568,249, C>T on the plus strand (G>A on the coding strand, the complement: FAT2 is on the minus strand). VCF-style: chr5-151568249-C-T. GRCh37 (hg19) VCF-style: chr5-150947810-C-T.
Other names: short protein forms R228Q.
Identifiers: ClinVar variation 2076038 (VCV002076038.2), dbSNP rs141477736, ClinGen allele CA3522390.